The following is an entry in ClinVar:

ClinVar aggregate classification (germline): Pathogenic. Review status: reviewed by expert panel (3 of 4 stars). 6 submissions from 6 submitters: Pathogenic (1). 5 of the submissions do not count toward it. Last evaluated 2025-12-05.

Conditions:
ABCA4-related retinopathy. Also called: ABCA4 retinoapthy; ABCA4-related retinoapthy. Identifiers: MedGen CN322612, MONDO:0800406.
ABCA4-related disorder. Also called: ABCA4-related disorders; ABCA4-related condition. Identifiers: MedGen CN239167.
Retinitis pigmentosa (RP). Identifiers: Orphanet 791, MedGen C0035334, MeSH D012174, MONDO:0019200, OMIM 268000. Inheritance: Autosomal dominant, autosomal recessive and X linked inheritance.

gnomAD v4.1: 1 of 1,614,118 alleles (0.000062%); highest among the groups gnomAD compares: Non-Finnish European, 0.000085%; no homozygotes.

Submissions (6):

ClinGen ABCA4 Variant Curation Expert Panel, Clingen
Classification: Pathogenic for ABCA4-related retinopathy. Last evaluated: 2025-12-05. Review status: reviewed by expert panel. Criteria: ClinGen ABCA4 ACMG Specifications V1.0.0. Collection method: curation. Allele origin: germline. Inheritance: Autosomal recessive inheritance.
Comment: The NM_000350.3(ABCA4):c.1715G>C variant in ABCA4 is a missense variant predicted to cause substitution of arginine by proline at amino acid 572 (p.Arg572Pro). The total minor allele frequency in gnomAD v4.1.0 is 0.0000006195 (1/1614118 alleles), which is lower than the ClinGen ABCA4 VCEP’s threshold for PM2_Supporting (<0.0001), meeting this criterion (PM2_Supporting). The computational predictor REVEL gives a score of 0.955 which is above the threshold of >0.772, evidence that predicts a damaging effect on ABCA4 function (PP3_Moderate). The prevalence of the variant in affected individuals is significantly increased compared with the prevalence in controls with an OR of infinity and the CI is 7.87-infinity, which is above the ABCA4 VCEP threshold of ≥5, where the CI does not contain 1 (PS4; PMID: 35120629). At least one proband met phenotypic criteria for ABCA4-related retinopathy (PP4; PMID: 9973280). This variant has been detected in at least 1 individual with ABCA4-related retinopathy who is a compound heterozygote for the variant and a pathogenic variant (c.5196+1137G>A) which was not confirmed in trans (PM3_Supporting; PMID: 32037395). The variant has been reported to segregate with ABCA4-related retinopathy in the proband and two affected relatives within a single family (PP1_Moderate; PMID: 9973280). In summary, this variant meets the criteria to be classified as pathogenic for ABCA4-related retinopathy based on the ACMG/AMP criteria applied, as specified by the ClinGen ABCA4 VCEP (Specification Version 1.0: PS4, PP4, PM3_Supporting, PP1_Moderate, PM2_Supporting, PP3_Moderate.

Blueprint Genetics
Classification: Pathogenic for ABCA4-related disorders. Last evaluated: 2024-10-16. Review status: criteria provided, single submitter. Criteria: ACMG Guidelines, 2015. Collection method: clinical testing. Allele origin: germline. Affected: yes. Observed: 5 variant alleles. Not counted in ClinVar's aggregate classification.

Women's Health and Genetics/Laboratory Corporation of America, LabCorp
Classification: Likely pathogenic for Retinitis pigmentosa. Last evaluated: 2024-10-16. Review status: criteria provided, single submitter. Criteria: LabCorp Variant Classification Summary - May 2015. Collection method: clinical testing. Allele origin: germline. Not counted in ClinVar's aggregate classification.
Comment: Variant summary: ABCA4 c.1715G>C (p.Arg572Pro) results in a non-conservative amino acid change in the encoded protein sequence. Five of five in-silico tools predict a damaging effect of the variant on protein function. The variant was absent in 251442 control chromosomes (gnomAD). c.1715G>C has been reported in the literature in individuals affected with ABCA4-related conditions (example: Lewis_1999, Pozo_Valero_2020, Zampaglione_2020). These data indicate that the variant is likely to be associated with disease. To our knowledge, no experimental evidence demonstrating an impact on protein function has been reported. The following publications have been ascertained in the context of this evaluation (PMID: 9973280, 32619608, 32037395, 8533764). ClinVar contains an entry for this variant (Variation ID: 99073). Based on the evidence outlined above, the variant was classified as likely pathogenic.

Labcorp Genetics (formerly Invitae), Labcorp
Classification: Pathogenic. Last evaluated: 2024-01-08. Review status: criteria provided, single submitter. Criteria: Invitae Variant Classification Sherloc (09022015). Collection method: clinical testing. Allele origin: germline. Not counted in ClinVar's aggregate classification.
Comment: This sequence change replaces arginine, which is basic and polar, with proline, which is neutral and non-polar, at codon 572 of the ABCA4 protein (p.Arg572Pro). This variant is not present in population databases (gnomAD no frequency). This missense change has been observed in individual(s) with Stargardt disease (PMID: 8533764, 9973280, 32037395, 32619608). In at least one individual the data is consistent with being in trans (on the opposite chromosome) from a pathogenic variant. ClinVar contains an entry for this variant (Variation ID: 99073). Advanced modeling of protein sequence and biophysical properties (such as structural, functional, and spatial information, amino acid conservation, physicochemical variation, residue mobility, and thermodynamic stability) performed at Invitae indicates that this missense variant is expected to disrupt ABCA4 protein function with a positive predictive value of 95%. For these reasons, this variant has been classified as Pathogenic.

GeneDx
Classification: Likely pathogenic. Last evaluated: 2023-08-16. Review status: criteria provided, single submitter. Criteria: GeneDx Variant Classification Process June 2021. Collection method: clinical testing. Allele origin: germline. Affected: yes. Not counted in ClinVar's aggregate classification.
Comment: Not observed at significant frequency in large population cohorts (gnomAD); In silico analysis supports that this missense variant has a deleterious effect on protein structure/function; This variant is associated with the following publications: (PMID: 9973280, 32037395, 32619608, 35119454)

Retina International
No classification provided. Review status: no classification provided. Collection method: not provided. Allele origin: not provided. Not counted in ClinVar's aggregate classification.

Literature cited by the submitters: PubMed 32037395 (cited by Women's Health and Genetics/Laboratory Corporation of America, LabCorp and Labcorp Genetics (formerly Invitae), Labcorp); PubMed 9973280 (cited by Women's Health and Genetics/Laboratory Corporation of America, LabCorp and Labcorp Genetics (formerly Invitae), Labcorp); PubMed 32619608 (cited by Women's Health and Genetics/Laboratory Corporation of America, LabCorp and Labcorp Genetics (formerly Invitae), Labcorp); PubMed 8533764 (cited by Women's Health and Genetics/Laboratory Corporation of America, LabCorp and Labcorp Genetics (formerly Invitae), Labcorp).

NM_000350.3(ABCA4):c.1715G>C (p.Arg572Pro)

Gene: ABCA4 (ATP binding cassette subfamily A member 4; minus strand). Cytogenetic location: 1p22.1.
Variant type: single nucleotide variant.
Coding change: c.1715G>C on transcript NM_000350.3 (MANE Select); coding-DNA position 1715, G replaced by C.
Protein change: p.Arg572Pro; replaces arginine 572 with proline.
Molecular consequence: missense variant.
Genome position (GRCh38, 1-based): chr1:94,063,157, C>G on the plus strand (G>C on the coding strand, the complement: ABCA4 is on the minus strand). VCF-style: chr1-94063157-C-G. GRCh37 (hg19) VCF-style: chr1-94528713-C-G.
Other names: NM_000350.3(ABCA4):c.1715G>C; c.1715G>C, p.Arg572Pro (NM_001425324.1); short protein forms R572P.
Identifiers: ClinVar variation 99073 (VCV000099073.17), dbSNP rs61748559, ClinGen allele CA226919.